The following is an entry in ClinVar:

ClinVar aggregate classification (germline): Benign/Likely benign. Review status: criteria provided, multiple submitters, no conflicts (2 of 4 stars). 3 submissions from 3 submitters: Benign (1); Likely benign (2). Last evaluated 2025-11-30.

Conditions:
Hereditary cancer-predisposing syndrome. Also called: Tumor predisposition; Hereditary neoplastic syndrome; Hereditary Cancer Syndrome; Neoplastic Syndromes, Hereditary. Identifiers: Orphanet 140162, MedGen C0027672, MeSH D009386, MONDO:0015356.
EGFR-related lung cancer (EGFR). Identifiers: MedGen CN130014.
Lung cancer. Also called: Malignant tumor of lung; Lung cancer, somatic. Identifiers: MedGen C0242379, MONDO:0008903, OMIM 211980.

Allele frequency attached by ClinVar (database versions not stated): gnomAD exomes below 0.00001.
gnomAD v4.1: 2 of 1,614,246 alleles (0.00012%); highest among the groups gnomAD compares: Non-Finnish European, 0.000085%; no homozygotes.

Submissions (3):

Ambry Genetics
Classification: Likely benign for Hereditary cancer-predisposing syndrome. Last evaluated: 2025-11-30. Review status: criteria provided, single submitter. Criteria: Ambry Variant Classification Scheme 2023. Collection method: clinical testing. Allele origin: germline.

Labcorp Genetics (formerly Invitae), Labcorp
Classification: Likely benign for EGFR-related lung cancer. Last evaluated: 2025-03-07. Review status: criteria provided, single submitter. Criteria: Invitae Variant Classification Sherloc (09022015). Collection method: clinical testing. Allele origin: germline.

Myriad Genetics, Inc.
Classification: Benign for Lung cancer. Last evaluated: 2024-10-16. Review status: criteria provided, single submitter. Criteria: Myriad Autosomal Dominant, Autosomal Recessive and X-Linked Classification Criteria (2023). Collection method: clinical testing. Allele origin: unknown.
Comment: This variant is considered benign. This variant is a silent/synonymous amino acid change and it is not expected to impact splicing.

NM_005228.5(EGFR):c.2133A>G (p.Glu711=)

Gene: EGFR (epidermal growth factor receptor; plus strand). Cytogenetic location: 7p11.2.
Variant type: single nucleotide variant.
Coding change: c.2133A>G on transcript NM_005228.5 (MANE Select); coding-DNA position 2133, A replaced by G.
Protein change: p.Glu711=; no amino-acid change (glutamic acid 711 retained).
Molecular consequence: synonymous variant.
Genome position (GRCh38, 1-based): chr7:55,173,992, A>G. VCF-style: chr7-55173992-A-G. GRCh37 (hg19) VCF-style: chr7-55241685-A-G.
Other names: c.1998A>G, p.Glu666= (NM_001346897.2, NM_001346899.2); c.2133A>G, p.Glu711= (NM_001346898.2); c.1974A>G, p.Glu658= (NM_001346900.2); c.1332A>G, p.Glu444= (NM_001346941.2).
Identifiers: ClinVar variation 2961407 (VCV002961407.5), dbSNP rs2128953665, ClinGen allele CA454979159.